The following is an entry in ClinVar:

NM_138459.5(NUS1):c.788T>C (p.Ile263Thr)

Gene: NUS1 (NUS1 dehydrodolichyl diphosphate synthase subunit; plus strand). Cytogenetic location: 6q22.1.
Variant type: single nucleotide variant.
Coding change: c.788T>C on transcript NM_138459.5 (MANE Select); coding-DNA position 788, T replaced by C.
Protein change: p.Ile263Thr; replaces isoleucine 263 with threonine.
Molecular consequence: missense variant.
Genome position (GRCh38, 1-based): chr6:117,703,701, T>C. VCF-style: chr6-117703701-T-C. GRCh37 (hg19) VCF-style: chr6-118024864-T-C.
Other names: short protein forms I263T.
Identifiers: ClinVar variation 3003501 (VCV003003501.3), dbSNP rs2482032255, ClinGen allele CA365537469.

ClinVar aggregate classification (germline): Uncertain significance (1 of 4 stars; one submission).

Conditions:
Congenital disorder of glycosylation, type Iaa. Also called: Congenital disorder of glycosylation, type 1aa. Identifiers: MedGen C4310727, MONDO:0014904, OMIM 617082.

Submission:

Labcorp Genetics (formerly Invitae), Labcorp
Classification: Uncertain significance for Congenital disorder of glycosylation, type Iaa. Last evaluated: 2023-10-28. Review status: criteria provided, single submitter. Criteria: Invitae Variant Classification Sherloc (09022015). Collection method: clinical testing. Allele origin: germline.
Comment: This sequence change replaces isoleucine, which is neutral and non-polar, with threonine, which is neutral and polar, at codon 263 of the NUS1 protein (p.Ile263Thr). This variant is not present in population databases (gnomAD no frequency). This variant has not been reported in the literature in individuals affected with NUS1-related conditions. An algorithm developed to predict the effect of missense changes on protein structure and function (PolyPhen-2) suggests that this variant is likely to be disruptive. In summary, the available evidence is currently insufficient to determine the role of this variant in disease. Therefore, it has been classified as a Variant of Uncertain Significance.